The following is an entry in ClinVar:

ClinVar aggregate classification (germline): Uncertain significance (1 of 4 stars; one submission).

Submission:

Ambry Genetics
Classification: Uncertain significance. Last evaluated: 2025-11-10. Review status: criteria provided, single submitter. Criteria: Ambry Variant Classification Scheme 2023. Collection method: clinical testing. Allele origin: germline.
Comment: The p.I621F variant (also known as c.1861A>T), located in coding exon 13 of the GEN1 gene, results from an A to T substitution at nucleotide position 1861. The isoleucine at codon 621 is replaced by phenylalanine, an amino acid with highly similar properties. This amino acid position is conserved. In addition, this alteration is predicted to be tolerated by in silico analysis. Based on the available evidence, the clinical significance of this variant remains unclear.

NM_001130009.3(GEN1):c.1861A>T (p.Ile621Phe)

Gene: GEN1 (GEN1 structure-specific endonuclease; plus strand). Cytogenetic location: 2p24.2.
Variant type: single nucleotide variant.
Coding change: c.1861A>T on transcript NM_001130009.3 (MANE Select); coding-DNA position 1861, A replaced by T.
Protein change: p.Ile621Phe; replaces isoleucine 621 with phenylalanine.
Molecular consequence: missense variant.
Genome position (GRCh38, 1-based): chr2:17,781,073, A>T. VCF-style: chr2-17781073-A-T. GRCh37 (hg19) VCF-style: chr2-17962340-A-T.
Other names: c.1861A>T, p.Ile621Phe (NM_182625.5); short protein forms I621F.
Identifiers: ClinVar variation 2491942 (VCV002491942.3), dbSNP rs1405082854, ClinGen allele CA345926788.